The following is an entry in ClinVar:

ClinVar aggregate classification (germline): Uncertain significance. Review status: criteria provided, multiple submitters, no conflicts (2 of 4 stars). 2 submissions from 2 submitters: Uncertain significance (2). Last evaluated 2024-01-01.

Conditions:
Leukocyte adhesion deficiency type II. Also called: CONGENITAL DISORDER OF GLYCOSYLATION, TYPE IIc; CDG IIc; Congenital disorder of glycosylation type 2C; CDG 2C; Leukocyte adhesion deficiency type 2; Rambam Hasharon syndrome. Identifiers: Orphanet 2968, Orphanet 99843, MedGen C0398739, MONDO:0009953, OMIM 266265.

Allele frequency attached by ClinVar (database versions not stated): gnomAD exomes below 0.00001 and 0.00001; gnomAD 0.00001.
gnomAD v4.1: 8 of 1,608,474 alleles (0.0005%); highest among the groups gnomAD compares: African/African-American, 0.0013%; no homozygotes.

Submissions (2):

Daryl Scott Lab, Baylor College of Medicine
Classification: Uncertain significance for Leukocyte adhesion deficiency type II. Last evaluated: 2024-01-01. Review status: criteria provided, single submitter. Criteria: ACMG Guidelines, 2015. Collection method: clinical testing. Allele origin: maternal. Affected: yes. Observed: 1 heterozygote.
Comment: PM2, PP3

Illumina Laboratory Services, Illumina
Classification: Uncertain significance for Leukocyte adhesion deficiency type II. Last evaluated: 2018-01-12. Review status: criteria provided, single submitter. Criteria: ICSL Variant Classification Criteria 13 December 2019. Collection method: clinical testing. Allele origin: germline.

NM_018389.5(SLC35C1):c.440G>A (p.Arg147His)

Gene: SLC35C1 (solute carrier family 35 member C1; plus strand). Cytogenetic location: 11p11.2.
Variant type: single nucleotide variant.
Coding change: c.440G>A on transcript NM_018389.5 (MANE Select); coding-DNA position 440, G replaced by A.
Protein change: p.Arg147His; replaces arginine 147 with histidine.
Molecular consequence: missense variant.
Genome position (GRCh38, 1-based): chr11:45,806,241, G>A. VCF-style: chr11-45806241-G-A. GRCh37 (hg19) VCF-style: chr11-45827792-G-A.
Other names: c.401G>A, p.Arg134His (NM_001145265.2, NM_001145266.2); short protein forms R147H, R134H.
Identifiers: ClinVar variation 304738 (VCV000304738.6), dbSNP rs886048314, ClinGen allele CA10639159.